The following is an entry in ClinVar:

ClinVar aggregate classification (germline): Likely pathogenic (1 of 4 stars; one submission).

Conditions:
DeSanto-Shinawi syndrome due to WAC point mutation (DESSH). Also called: DEVELOPMENTAL DELAY, BEHAVIORAL ABNORMALITIES, FACIAL DYSMORPHISM, AND OCULAR ABNORMALITIES; Facial dysmorphism-developmental delay-behavioral abnormalities syndrome due to WAC point mutation; WAC-Related Intellectual Disability. Identifiers: Orphanet 284169, Orphanet 466950, MedGen C5681129, MONDO:0014741, OMIM 616708.

Submission:

New York Genome Center
Classification: Likely pathogenic for DeSanto-Shinawi syndrome due to WAC point mutation. Last evaluated: 2021-08-13. Review status: criteria provided, single submitter. Criteria: NYGC Assertion Criteria 2020. Collection method: clinical testing. Allele origin: inherited. Observed: 1 heterozygote. Study: CSER-NYCKidSeq.
Comment: The inherited frameshift variant c.472dup, p.Glu158GlyfsTer8 (exon 5/14) identified in the WAC gene has not been reported in individuals with WAC-related intellectual disability. This variant is absent in gnomAD v3.1.1 suggesting it is not a common benign variant in the populations represented in this database. This variant causes a frameshift and it is predicted to result in a truncated protein or mRNA subject to nonsense-mediated decay. The variant resides at WW domain and frameshift disrupts the domain. The WW domain, a protein module mediating protein-protein interactions, is found in a wide range of signaling proteins.Based on the available evidence, c.472dup, p.Glu158GlyfsTer8 variant in the WAC gene is classified as likely pathogenic.

NM_016628.5(WAC):c.472dup (p.Glu158fs)

Gene: WAC (WW domain containing adaptor with coiled-coil; plus strand). Cytogenetic location: 10p12.1.
Variant type: Duplication.
Coding change: c.472dup on transcript NM_016628.5 (MANE Select); coding-DNA position 472, one base duplicated (G; older notation c.472dupG).
Protein change: p.Glu158fs; shifts the reading frame from glutamic acid 158.
Molecular consequence: frameshift variant.
Genome position (GRCh38, 1-based): chr10:28,589,826, G duplicated; the last of 3 consecutive G bases (chr10:28,589,824-28,589,826); duplicating any one gives the same sequence. VCF-style (leftmost placement, unchanged base first): chr10-28589823-T-TG. GRCh37 (hg19) VCF-style: chr10-28878752-T-TG.
Other names: c.337dup, p.Glu113fs (NM_100264.3); c.472dup, p.Glu158fs (NM_100486.4); short protein forms E113fs, E158fs.
Identifiers: ClinVar variation 1696676 (VCV001696676.1), dbSNP rs2132669368, ClinGen allele CA2580081441.